The following is an entry in ClinVar:

ClinVar aggregate classification (germline): other (0 of 4 stars; one submission).

Conditions:
Familial colorectal cancer. Identifiers: MedGen CN280943, MONDO:0023113. Disease mechanism: loss of function.

Submission:

Systems Biology Platform Zhejiang California International NanoSystems Institute
Classification: other for Familial colorectal cancer. Review status: no assertion criteria provided. Collection method: not provided. Allele origin: unknown.
ClinVar note: Converted during submission from cancer to other.

NM_000038.6(APC):c.423-455G>T

Gene: APC (APC regulator of WNT signaling pathway; plus strand). Cytogenetic location: 5q22.2.
Variant type: single nucleotide variant.
Coding change: c.423-455G>T on transcript NM_000038.6 (MANE Select); 455 bases into the intron before coding-DNA position 423, G replaced by T.
Molecular consequence: intron variant.
Genome position (GRCh38, 1-based): chr5:112,775,174, G>T. VCF-style: chr5-112775174-G-T. GRCh37 (hg19) VCF-style: chr5-112110871-G-T.
Other names: c.423-455G>T (NM_001354895.2, NM_001127510.3, NM_001354896.2 and 2 more transcripts); c.453-455G>T (NM_001354897.2, NM_001354902.2, NM_001127511.3); c.348-455G>T (NM_001354898.2, NM_001354904.2); c.-613-455G>T (NM_001354906.2); c.246-455G>T (NM_001354900.2, NM_001354901.2, NM_001354905.2).
Identifiers: ClinVar variation 82908 (VCV000082908.2), dbSNP rs75999963, ClinGen allele CA009320.
Genomic context (GRCh38, chr5:112,775,174, plus strand): 5'-AGTTTTTCTCCGTCATAACTTCCTCTTATTTCAAAATGACAGTATATTTCTTATTATTTT[G>T]GCTGCTGTGAAGCTGAAAGCCACATCAGTGTCCAAAGTAATAGCTTCTTATATTCTGGGT-3'